The following is an entry in ClinVar:

ClinVar aggregate classification (germline): Uncertain significance. Review status: criteria provided, multiple submitters, no conflicts (2 of 4 stars). 2 submissions from 2 submitters: Uncertain significance (2). Last evaluated 2023-07-12.

Conditions:
Inborn genetic diseases. Identifiers: MedGen C0950123, MeSH D030342.

Allele frequency attached by ClinVar (database versions not stated): ExAC 0.00002; TOPMed 0.00006; gnomAD 0.00005; ESP Exome Variant Server 0.00008.
gnomAD v4.1: 71 of 1,613,858 alleles (0.0044%); highest among the groups gnomAD compares: Middle Eastern, 0.017%; no homozygotes.

Submissions (2):

Ambry Genetics
Classification: Uncertain significance for Inborn genetic diseases. Last evaluated: 2023-07-12. Review status: criteria provided, single submitter. Criteria: Ambry Variant Classification Scheme 2023. Collection method: clinical testing. Allele origin: germline.

Labcorp Genetics (formerly Invitae), Labcorp
Classification: Uncertain significance. Last evaluated: 2022-09-06. Review status: criteria provided, single submitter. Criteria: Invitae Variant Classification Sherloc (09022015). Collection method: clinical testing. Allele origin: germline.
Comment: Algorithms developed to predict the effect of missense changes on protein structure and function (SIFT, PolyPhen-2, Align-GVGD) all suggest that this variant is likely to be disruptive. In summary, the available evidence is currently insufficient to determine the role of this variant in disease. Therefore, it has been classified as a Variant of Uncertain Significance. This variant has not been reported in the literature in individuals affected with ARHGAP31-related conditions. This variant is present in population databases (rs200063238, gnomAD 0.01%). This sequence change replaces arginine, which is basic and polar, with cysteine, which is neutral and slightly polar, at codon 256 of the ARHGAP31 protein (p.Arg256Cys).

NM_020754.4(ARHGAP31):c.766C>T (p.Arg256Cys)

Gene: ARHGAP31 (Rho GTPase activating protein 31; plus strand). Cytogenetic location: 3q13.33.
Variant type: single nucleotide variant.
Coding change: c.766C>T on transcript NM_020754.4 (MANE Select); coding-DNA position 766, C replaced by T.
Protein change: p.Arg256Cys; replaces arginine 256 with cysteine.
Molecular consequence: missense variant.
Genome position (GRCh38, 1-based): chr3:119,390,868, C>T. VCF-style: chr3-119390868-C-T. GRCh37 (hg19) VCF-style: chr3-119109715-C-T.
Other names: c.766C>T (NM_020754.2); short protein forms R256C.
Identifiers: ClinVar variation 2071299 (VCV002071299.6), dbSNP rs200063238, ClinGen allele CA2553695.